The following is an entry in ClinVar:

NM_004415.4(DSP):c.1106A>T (p.Asp369Val)

Gene: DSP (desmoplakin; plus strand). Cytogenetic location: 6p24.3.
Variant type: single nucleotide variant.
Coding change: c.1106A>T on transcript NM_004415.4 (MANE Select); coding-DNA position 1106, A replaced by T.
Protein change: p.Asp369Val; replaces aspartic acid 369 with valine.
Molecular consequence: missense variant.
Genome position (GRCh38, 1-based): chr6:7,567,415, A>T. VCF-style: chr6-7567415-A-T. GRCh37 (hg19) VCF-style: chr6-7567648-A-T.
Other names: c.1106A>T, p.Asp369Val (NM_001008844.3, NM_001319034.2, NM_001406591.1); short protein forms D369V.
Identifiers: ClinVar variation 3070937 (VCV003070937.3), dbSNP rs747591781, ClinGen allele CA026984.

ClinVar aggregate classification (germline): Uncertain significance. Review status: criteria provided, multiple submitters, no conflicts (2 of 4 stars). 3 submissions from 3 submitters: Uncertain significance (3). Last evaluated 2025-04-02.

Conditions:
Cardiovascular phenotype. Identifiers: MedGen CN230736.
Arrhythmogenic cardiomyopathy with wooly hair and keratoderma. Also called: PALMOPLANTAR KERATODERMA WITH LEFT VENTRICULAR CARDIOMYOPATHY AND WOOLLY HAIR; Carvajal syndrome; Dilated cardiomyopathy with woolly hair and keratoderma; Arrhythmogenic cardiomyopathy with woolly hair and keratoderma. Identifiers: Orphanet 65282, MedGen C1854063, MONDO:0011581, OMIM 605676.
Arrhythmogenic right ventricular dysplasia 8 (ARVD8). Also called: ARRHYTHMOGENIC RIGHT VENTRICULAR DYSPLASIA, FAMILIAL, 8; ARRHYTHMOGENIC RIGHT VENTRICULAR CARDIOMYOPATHY 8; Arrhythmogenic Right Ventricular Dysplasia/Cardiomyopathy 8. Identifiers: MedGen C1843896, MONDO:0011831, OMIM 607450.

Allele frequency attached by ClinVar (database versions not stated): gnomAD exomes below 0.00001; ExAC 0.00001; TOPMed 0.00001.
gnomAD v4.1: 2 of 1,614,092 alleles (0.00012%); highest among the groups gnomAD compares: Non-Finnish European, 0.00017%; no homozygotes.

Submissions (3):

Labcorp Genetics (formerly Invitae), Labcorp
Classification: Uncertain significance for Arrhythmogenic cardiomyopathy with wooly hair and keratoderma; Arrhythmogenic right ventricular dysplasia 8. Last evaluated: 2025-04-02. Review status: criteria provided, single submitter. Criteria: Invitae Variant Classification Sherloc (09022015). Collection method: clinical testing. Allele origin: germline.
Comment: This sequence change replaces aspartic acid, which is acidic and polar, with valine, which is neutral and non-polar, at codon 369 of the DSP protein (p.Asp369Val). This variant is present in population databases (rs747591781, gnomAD 0.0009%). This variant has not been reported in the literature in individuals affected with DSP-related conditions. ClinVar contains an entry for this variant (Variation ID: 3070937). An algorithm developed to predict the effect of missense changes on protein structure and function (PolyPhen-2) suggests that this variant is likely to be disruptive. In summary, the available evidence is currently insufficient to determine the role of this variant in disease. Therefore, it has been classified as a Variant of Uncertain Significance.

Ambry Genetics
Classification: Uncertain significance for Cardiovascular phenotype. Last evaluated: 2023-12-07. Review status: criteria provided, single submitter. Criteria: Ambry Variant Classification Scheme 2023. Collection method: clinical testing. Allele origin: germline.

All of Us Research Program, National Institutes of Health
Classification: Uncertain significance for Arrhythmogenic cardiomyopathy with wooly hair and keratoderma. Last evaluated: 2023-05-08. Review status: criteria provided, single submitter. Criteria: ACMG Guidelines, 2015. Collection method: clinical testing. Allele origin: germline. Inheritance: Autosomal dominant inheritance. Observed: 1 variant allele, 1 heterozygote.
Comment: This study involves interpretation of variants in research participants for the purpose of population health screening. Participant phenotype was not available at the time of variant classification. Additional details can be found in publication PMID: 35346344, PMCID: PMC8962531